The following is an entry in ClinVar:

ClinVar aggregate classification (germline): Benign. Review status: criteria provided, single submitter (1 of 4 stars). 2 submissions from 1 submitter: Benign (2). Last evaluated 2018-01-12.

Conditions:
Surfactant metabolism dysfunction, pulmonary, 2 (SMDP2). Also called: DESQUAMATIVE INTERSTITIAL PNEUMONITIS DUE TO SURFACTANT PROTEIN C DEFICIENCY; INTERSTITIAL LUNG DISEASE DUE TO SURFACTANT PROTEIN C DEFICIENCY; PULMONARY ALVEOLAR PROTEINOSIS, CONGENITAL, 2. Identifiers: Orphanet 440392, MedGen C1970470, MONDO:0024465, OMIM 610913.
Interstitial lung disease 2 (ILD2). Also called: Familial idiopathic pulmonary fibrosis; FIBROCYSTIC PULMONARY DYSPLASIA; FIBROSING ALVEOLITIS, CRYPTOGENIC. Identifiers: Orphanet 2032, Orphanet 79126, MedGen C5561926, MONDO:0800497, OMIM 178500, MONDO:0800029.

Allele frequency attached by ClinVar (database versions not stated): gnomAD exomes 0.00001 and 0.00004; TOPMed 0.00001; ExAC 0.00003; ESP Exome Variant Server 0.00008.
gnomAD v4.1: 9 of 1,614,174 alleles (0.00056%); highest among the groups gnomAD compares: East Asian, 0.0067%; no homozygotes.

Submissions (2):

Illumina Laboratory Services, Illumina
Classification: Benign for Surfactant metabolism dysfunction, pulmonary, 2. Last evaluated: 2018-01-12. Review status: criteria provided, single submitter. Criteria: ICSL Variant Classification Criteria 13 December 2019. Collection method: clinical testing. Allele origin: germline.
Comment: This variant was observed in the ICSL laboratory as part of a predisposition screen in an ostensibly healthy population. It had not been previously curated by ICSL or reported in the Human Gene Mutation Database (HGMD: prior to June 1st, 2018), and was therefore a candidate for classification through an automated scoring system. Utilizing variant allele frequency, disease prevalence and penetrance estimates, and inheritance mode, an automated score was calculated to assess if this variant is too frequent to cause the disease. Based on the score and internal cut-off values, a variant classified as benign is not then subjected to further curation. The score for this variant resulted in a classification of benign for this disease.

Illumina Laboratory Services, Illumina
Classification: Benign for Idiopathic fibrosing alveolitis, chronic form. Last evaluated: 2018-01-12. Review status: criteria provided, single submitter. Criteria: ICSL Variant Classification Criteria 13 December 2019. Collection method: clinical testing. Allele origin: germline.
Comment: the same text as in the submission from Illumina Laboratory Services, Illumina above.

NM_001317778.2(SFTPC):c.303C>T (p.Leu101=)

Gene: SFTPC (surfactant protein C; plus strand). Cytogenetic location: 8p21.3.
Variant type: single nucleotide variant.
Coding change: c.303C>T on transcript NM_001317778.2 (MANE Select); coding-DNA position 303, C replaced by T.
Protein change: p.Leu101=; no amino-acid change (leucine 101 retained).
Molecular consequence: synonymous variant.
Genome position (GRCh38, 1-based): chr8:22,163,181, C>T. VCF-style: chr8-22163181-C-T. GRCh37 (hg19) VCF-style: chr8-22020694-C-T.
Other names: c.303C>T, p.Leu101= (NM_001172357.2, NM_001172410.2, NM_001317780.2 and 1 more transcripts); c.144C>T, p.Leu48= (NM_001317779.2).
Identifiers: ClinVar variation 908426 (VCV000908426.4), dbSNP rs370825102, ClinGen allele CA4663958.